The following is an entry in ClinVar:

NM_001854.4(COL11A1):c.3654+2T>C

Gene: COL11A1 (collagen type XI alpha 1 chain; minus strand). Cytogenetic location: 1p21.1.
Variant type: single nucleotide variant.
Coding change: c.3654+2T>C on transcript NM_001854.4 (MANE Select); the canonical splice donor site of the intron after coding-DNA position 3654, T replaced by C.
Molecular consequence: splice donor variant.
Genome position (GRCh38, 1-based): chr1:102,923,334, A>G on the plus strand (T>C on the coding strand, the complement: COL11A1 is on the minus strand). VCF-style: chr1-102923334-A-G. GRCh37 (hg19) VCF-style: chr1-103388890-A-G.
Other names: c.3537+2T>C (NM_001190709.2); c.3690+2T>C (NM_080629.3); c.3306+2T>C (NM_080630.4).
Identifiers: ClinVar variation 3644623 (VCV003644623.2).

ClinVar aggregate classification (germline): Likely pathogenic (1 of 4 stars; one submission).

Submission:

Labcorp Genetics (formerly Invitae), Labcorp
Classification: Likely pathogenic. Last evaluated: 2024-03-05. Review status: criteria provided, single submitter. Criteria: Invitae Variant Classification Sherloc (09022015). Collection method: clinical testing. Allele origin: germline.
Comment: This sequence change affects a donor splice site in intron 47 of the COL11A1 gene. It is expected to disrupt RNA splicing. Variants that disrupt the donor or acceptor splice site typically lead to a loss of protein function (PMID: 16199547), and loss-of-function variants in COL11A1 are known to be pathogenic (PMID: 20513134, 21035103, 23922384, 25240749, 32427345, 32756486). This variant is not present in population databases (gnomAD no frequency). This variant has not been reported in the literature in individuals affected with COL11A1-related conditions. Algorithms developed to predict the effect of sequence changes on RNA splicing suggest that this variant may disrupt the consensus splice site. In summary, the currently available evidence indicates that the variant is pathogenic, but additional data are needed to prove that conclusively. Therefore, this variant has been classified as Likely Pathogenic.

Literature cited by the submitters: PubMed 16199547; PubMed 20513134; PubMed 21035103; PubMed 23922384; PubMed 25240749; PubMed 32427345; PubMed 32756486.